The following is an entry in ClinVar:

ClinVar aggregate classification (germline): Uncertain significance (1 of 4 stars; one submission).

Conditions:
Arrhythmogenic right ventricular dysplasia 13. Also called: ARRHYTHMOGENIC RIGHT VENTRICULAR CARDIOMYOPATHY 13; Arrhythmogenic right ventricular dysplasia, familial, 13. Identifiers: MedGen C3810138, MONDO:0000908, OMIM 615616.

gnomAD v4.1: 3 of 1,613,820 alleles (0.00019%); highest among the groups gnomAD compares: Non-Finnish European, 0.00017%; no homozygotes.

Submission:

Labcorp Genetics (formerly Invitae), Labcorp
Classification: Uncertain significance for Arrhythmogenic right ventricular dysplasia 13. Last evaluated: 2025-10-21. Review status: criteria provided, single submitter. Criteria: Invitae Variant Classification Sherloc (09022015). Collection method: clinical testing. Allele origin: germline.
Comment: This sequence change replaces leucine, which is neutral and non-polar, with proline, which is neutral and non-polar, at codon 390 of the CTNNA3 protein (p.Leu390Pro). This variant is not present in population databases (gnomAD no frequency). This variant has not been reported in the literature in individuals affected with CTNNA3-related conditions. Invitae Evidence Modeling of protein sequence and biophysical properties (such as structural, functional, and spatial information, amino acid conservation, physicochemical variation, residue mobility, and thermodynamic stability) indicates that this missense variant is expected to disrupt CTNNA3 protein function with a positive predictive value of 80%. In summary, the available evidence is currently insufficient to determine the role of this variant in disease. Therefore, it has been classified as a Variant of Uncertain Significance.

NM_013266.4(CTNNA3):c.1169T>C (p.Leu390Pro)

Gene: CTNNA3 (catenin alpha 3; minus strand). Cytogenetic location: 10q21.3.
Variant type: single nucleotide variant.
Coding change: c.1169T>C on transcript NM_013266.4 (MANE Select); coding-DNA position 1169, T replaced by C.
Protein change: p.Leu390Pro; replaces leucine 390 with proline.
Molecular consequence: missense variant.
Genome position (GRCh38, 1-based): chr10:66,766,376, A>G on the plus strand (T>C on the coding strand, the complement: CTNNA3 is on the minus strand). VCF-style: chr10-66766376-A-G. GRCh37 (hg19) VCF-style: chr10-68526134-A-G.
Other names: c.1169T>C, p.Leu390Pro (NM_001127384.3); short protein forms L390P.
Identifiers: ClinVar variation 4750679 (VCV004750679.1).
Genomic context (GRCh38, chr10:66,766,376, plus strand): 5'-TCCTTTTCCCGGCCATTCTTAGCAGCTTCAATGAGAACCAAAAGAGGGACTGTCGTATCC[A>G]GGAAAGAGTCTGACACATGATCTATAATAGCCTTGCGGAGCTGAGAAGAAATGAAAAATT-3'
Protein context (NP_037398.2, residues 380-400): AIIDHVSDSF[Leu390Pro]DTTVPLLVLI